The following is an entry in ClinVar:

NM_000138.5(FBN1):c.247+4del

Gene: FBN1 (fibrillin 1; minus strand). Cytogenetic location: 15q21.1.
Variant type: Deletion.
Coding change: c.247+4del on transcript NM_000138.5 (MANE Select); 4 bases into the intron after coding-DNA position 247, one base deleted (A; older notation c.247+4delA).
Molecular consequence: intron variant.
Genome position (GRCh38, 1-based): chr15:48,613,006, T deleted on the plus strand (A on the coding strand, the reverse complement: FBN1 is on the minus strand); the first of 2 consecutive T bases (chr15:48,613,006-48,613,007); deleting either gives the same sequence. VCF-style (leftmost placement, unchanged base first): chr15-48613005-CT-C. GRCh37 (hg19) VCF-style: chr15-48905202-CT-C.
Identifiers: ClinVar variation 2430311 (VCV002430311.2), dbSNP rs2505779050, ClinGen allele CA2580089575.

ClinVar aggregate classification (germline): Uncertain significance (1 of 4 stars; one submission).

Conditions:
Marfan syndrome (MFS). Also called: MARFAN SYNDROME, TYPE I; FBN1-Related Marfan Syndrome; Marfan syndrome type 1; Marfan's syndrome; Marfan syndrome, classic. Identifiers: Orphanet 284963, Orphanet 558, MedGen C0024796, MONDO:0007947, OMIM 154700.

Submission:

Centre of Medical Genetics, University Hospital Muenster
Classification: Uncertain significance for Marfan syndrome. Last evaluated: 2023-01-10. Review status: criteria provided, single submitter. Criteria: ACMG Guidelines, 2015. Collection method: clinical testing. Allele origin: unknown. Affected: yes. Observed: 1 variant allele, 1 heterozygote.
Comment: ACMG categories: PM1,PM2